The following is an entry in ClinVar:

NM_006031.6(PCNT):c.7699C>T (p.Leu2567=)

Gene: PCNT (pericentrin; plus strand). Cytogenetic location: 21q22.3.
Variant type: single nucleotide variant.
Coding change: c.7699C>T on transcript NM_006031.6 (MANE Select); coding-DNA position 7699, C replaced by T.
Protein change: p.Leu2567=; no amino-acid change (leucine 2567 retained).
Molecular consequence: synonymous variant.
Genome position (GRCh38, 1-based): chr21:46,430,018, C>T. VCF-style: chr21-46430018-C-T. GRCh37 (hg19) VCF-style: chr21-47849932-C-T.
Other names: c.7345C>T, p.Leu2449= (NM_001315529.2).
Identifiers: ClinVar variation 898864 (VCV000898864.8), dbSNP rs766025734, ClinGen allele CA10080780.

ClinVar aggregate classification (germline): Conflicting classifications of pathogenicity. Review status: criteria provided, conflicting classifications (1 of 4 stars). 3 submissions from 3 submitters: Uncertain significance (1); Likely benign (2). Last evaluated 2025-09-25.

Conditions:
PCNT-related disorder. Also called: PCNT-related condition.
Microcephalic osteodysplastic primordial dwarfism type II (MOPD2). Also called: Microcephalic osteodysplastic primordial dwarfism with tooth abnormalities; MOPD II; OSTEODYSPLASTIC PRIMORDIAL DWARFISM, TYPE II. Identifiers: Orphanet 2637, MedGen C0432246, MONDO:0008872, OMIM 210720.

Allele frequency attached by ClinVar (database versions not stated): gnomAD 0.00001; ExAC 0.00002; gnomAD exomes 0.00002; TOPMed 0.00002.
gnomAD v4.1: 26 of 1,613,958 alleles (0.0016%); highest among the groups gnomAD compares: Non-Finnish European, 0.0021%; no homozygotes.

Submissions (3):

PreventionGenetics, part of Exact Sciences
Classification: Likely benign for PCNT-related condition. Last evaluated: 2025-09-25. Review status: criteria provided, single submitter. Criteria: ACMG Guidelines, 2015. Collection method: clinical testing. Allele origin: germline.
Comment: This variant is classified as likely benign based on ACMG/AMP sequence variant interpretation guidelines (Richards et al. 2015 PMID: 25741868, with internal and published modifications).

Labcorp Genetics (formerly Invitae), Labcorp
Classification: Likely benign. Last evaluated: 2023-11-14. Review status: criteria provided, single submitter. Criteria: Invitae Variant Classification Sherloc (09022015). Collection method: clinical testing. Allele origin: germline.

Illumina Laboratory Services, Illumina
Classification: Uncertain significance for Microcephalic osteodysplastic primordial dwarfism type II. Last evaluated: 2018-03-02. Review status: criteria provided, single submitter. Criteria: ICSL Variant Classification Criteria 13 December 2019. Collection method: clinical testing. Allele origin: germline.